The following is an entry in ClinVar:

ClinVar aggregate classification (germline): Uncertain significance (1 of 4 stars; one submission).

Conditions:
MHC class II deficiency. Also called: Bare lymphocyte syndrome 2; BLS, TYPE II. Identifiers: Orphanet 572, MedGen C5447452, MONDO:0008855.

Allele frequency attached by ClinVar (database versions not stated): ExAC 0.00001; gnomAD exomes 0.00001.

Submission:

Labcorp Genetics (formerly Invitae), Labcorp
Classification: Uncertain significance for MHC class II deficiency. Last evaluated: 2025-10-01. Review status: criteria provided, single submitter. Criteria: Invitae Variant Classification Sherloc (09022015). Collection method: clinical testing. Allele origin: germline.
Comment: This sequence change falls in intron 16 of the CIITA gene. It does not directly change the encoded amino acid sequence of the CIITA protein. It affects a nucleotide within the consensus splice site. This variant is present in population databases (rs772739553, gnomAD 0.0009%). This variant has not been reported in the literature in individuals affected with CIITA-related conditions. ClinVar contains an entry for this variant (Variation ID: 1952065). Variants that disrupt the consensus splice site are a relatively common cause of aberrant splicing (PMID: 17576681, 9536098). Algorithms developed to predict the effect of sequence changes on RNA splicing suggest that this variant is not likely to affect RNA splicing. In summary, the available evidence is currently insufficient to determine the role of this variant in disease. Therefore, it has been classified as a Variant of Uncertain Significance.

Literature cited by the submitters: PubMed 17576681; PubMed 9536098.

NM_000246.4(CIITA):c.3149+6_3149+12del

Gene: CIITA (class II major histocompatibility complex transactivator; plus strand). Cytogenetic location: 16p13.13.
Variant type: Deletion.
Coding change: c.3149+6_3149+12del on transcript NM_000246.4 (MANE Select); bases 6 to 12 of the intron after coding-DNA position 3149, 7 bases deleted (TGGGGCC; older notation c.3149+6_3149+12delTGGGGCC).
Molecular consequence: intron variant.
Genome position (GRCh38, 1-based): chr16:10,918,532-10,918,538, TGGGGCC deleted. VCF-style (leftmost placement, unchanged base first): chr16-10918531-GTGGGGCC-G. GRCh37 (hg19) VCF-style: chr16-11012388-GTGGGGCC-G.
Other names: c.3152+6_3152+12del (NM_001286402.1, NM_001379332.1); c.3005+6_3005+12del (NM_001379330.1); c.3149+6_3149+12del (NM_001379333.1); c.3002+6_3002+12del (NM_001379331.1); c.1397+6_1397+12del (NM_001286403.2); c.3080+6_3080+12del (NM_001379334.1).
Identifiers: ClinVar variation 1952065 (VCV001952065.5), dbSNP rs772739553, ClinGen allele CA7900677.
Genomic context (GRCh38, chr16:10,918,531, plus strand): 5'-GCCTACAAACTCGCCGAGGCCCTGCCTTCGCTCGCTGCATCCCTGCTCAGGCTAAGGTGA[GTGGGGCC>G]CCGGATACCGGTCAGGTGCTGAGCTGGGGGGCTGCAGAGCGCAGGGAACCCACATCGTGC-3'